The following is an entry in ClinVar:

NM_018136.5(ASPM):c.81C>A (p.Pro27=)

Gene: ASPM (assembly factor for spindle microtubules; minus strand). Cytogenetic location: 1q31.3.
Variant type: single nucleotide variant.
Coding change: c.81C>A on transcript NM_018136.5 (MANE Select); coding-DNA position 81, C replaced by A.
Protein change: p.Pro27=; no amino-acid change (proline 27 retained).
Molecular consequence: synonymous variant.
Genome position (GRCh38, 1-based): chr1:197,146,357, G>T on the plus strand (C>A on the coding strand, the complement: ASPM is on the minus strand). VCF-style: chr1-197146357-G-T. GRCh37 (hg19) VCF-style: chr1-197115487-G-T.
Other names: c.81C>A, p.Pro27= (NM_001206846.2).
Identifiers: ClinVar variation 157889 (VCV000157889.39), dbSNP rs369801034, ClinGen allele CA171269.

ClinVar aggregate classification (germline): Conflicting classifications of pathogenicity. Review status: criteria provided, conflicting classifications (1 of 4 stars). 5 submissions from 5 submitters: Uncertain significance (1); Likely benign (4). Last evaluated 2025-12-19.

Conditions:
Microcephaly 5, primary, autosomal recessive (MCPH5). Also called: ASPM Primary Microcephaly. Identifiers: Orphanet 2512, MedGen C1837501, MONDO:0012106, OMIM 608716.

Allele frequency attached by ClinVar (database versions not stated): TOPMed 0.00018; gnomAD exomes 0.00024 and 0.00025; ExAC 0.00027; 1000 Genomes Project 0.00040; 1000 Genomes Project 30x 0.00062; ESP Exome Variant Server 0.00008; gnomAD 0.00016 and 0.00018.
gnomAD v4.1: 389 of 1,610,884 alleles (0.024%); highest among the groups gnomAD compares: Non-Finnish European, 0.03%; no homozygotes.

Submissions (5):

Labcorp Genetics (formerly Invitae), Labcorp
Classification: Likely benign. Last evaluated: 2025-12-19. Review status: criteria provided, single submitter. Criteria: Invitae Variant Classification Sherloc (09022015). Collection method: clinical testing. Allele origin: germline.

CeGaT Center for Human Genetics Tuebingen
Classification: Likely benign. Last evaluated: 2024-10-01. Review status: criteria provided, single submitter. Criteria: CeGaT Center For Human Genetics Tuebingen Variant Classification Criteria Version 2. Collection method: clinical testing. Allele origin: germline. Affected: yes. Observed: 2 variant alleles.
Comment: ASPM: BP4, BP7

Blueprint Genetics
Classification: Likely benign. Last evaluated: 2024-08-31. Review status: criteria provided, single submitter. Criteria: ACMG Guidelines, 2015. Collection method: clinical testing. Allele origin: germline.

Illumina Laboratory Services, Illumina
Classification: Uncertain significance for Microcephaly 5, primary, autosomal recessive. Last evaluated: 2018-01-13. Review status: criteria provided, single submitter. Criteria: ICSL Variant Classification Criteria 13 December 2019. Collection method: clinical testing. Allele origin: germline.

Genetic Services Laboratory, University of Chicago
Classification: Likely benign. Last evaluated: 2013-02-08. Review status: criteria provided, single submitter. Criteria: ACMG Guidelines, 2007. Collection method: clinical testing. Allele origin: germline. Inheritance: Autosomal recessive inheritance.